The following is an entry in ClinVar:

ClinVar aggregate classification (germline): Uncertain significance (1 of 4 stars; one submission).

Conditions:
MHC class II deficiency. Also called: Bare lymphocyte syndrome 2; BLS, TYPE II. Identifiers: Orphanet 572, MedGen C5447452, MONDO:0008855.

gnomAD v4.1: 40 of 1,614,040 alleles (0.0025%); highest among the groups gnomAD compares: South Asian, 0.042%; no homozygotes.

Submission:

Labcorp Genetics (formerly Invitae), Labcorp
Classification: Uncertain significance for MHC class II deficiency. Last evaluated: 2025-01-27. Review status: criteria provided, single submitter. Criteria: Invitae Variant Classification Sherloc (09022015). Collection method: clinical testing. Allele origin: germline.
Comment: This sequence change replaces threonine, which is neutral and polar, with isoleucine, which is neutral and non-polar, at codon 165 of the CIITA protein (p.Thr165Ile). This variant is present in population databases (rs34648899, gnomAD 0.05%). This variant has not been reported in the literature in individuals affected with CIITA-related conditions. ClinVar contains an entry for this variant (Variation ID: 855598). An algorithm developed to predict the effect of missense changes on protein structure and function (PolyPhen-2) suggests that this variant¬†is likely to be tolerated. In summary, the available evidence is currently insufficient to determine the role of this variant in disease. Therefore, it has been classified as a Variant of Uncertain Significance.

NM_000246.4(CIITA):c.494C>T (p.Thr165Ile)

Gene: CIITA (class II major histocompatibility complex transactivator; plus strand). Cytogenetic location: 16p13.13.
Variant type: single nucleotide variant.
Coding change: c.494C>T on transcript NM_000246.4 (MANE Select); coding-DNA position 494, C replaced by T.
Protein change: p.Thr165Ile; replaces threonine 165 with isoleucine.
Molecular consequence: missense variant. On other transcripts: non-coding transcript variant (1), intron variant (3).
Genome position (GRCh38, 1-based): chr16:10,902,050, C>T. VCF-style: chr16-10902050-C-T. GRCh37 (hg19) VCF-style: chr16-10995907-C-T.
Other names: c.497C>T, p.Thr166Ile (NM_001286402.1, NM_001379332.1); c.494C>T, p.Thr165Ile (NM_001379333.1); c.425C>T, p.Thr142Ile (NM_001379334.1); c.484+492C>T (NM_001379330.1); c.481+492C>T (NM_001379331.1, NM_001286403.2); short protein forms T165I, T166I, T142I.
Identifiers: ClinVar variation 855598 (VCV000855598.5), dbSNP rs34648899, ClinGen allele CA7899787.